The following is an entry in ClinVar:

ClinVar aggregate classification (germline): Benign. Review status: criteria provided, multiple submitters, no conflicts (2 of 4 stars). 3 submissions from 3 submitters: Benign (2). 1 of the submissions does not count toward it. Last evaluated 2019-12-31.

Conditions:
PTPRT-related disorder. Also called: PTPRT-related condition.

Allele frequency attached by ClinVar (database versions not stated): gnomAD exomes 0.00206 and 0.00517; ESP Exome Variant Server 0.02259; 1000 Genomes Project 30x 0.02639; ExAC 0.00629; gnomAD 0.02190 and 0.02344; TOPMed 0.02472; 1000 Genomes Project 0.02496.
gnomAD v4.1: 6,465 of 1,614,188 alleles (0.4%); highest among the groups gnomAD compares: African/African-American, 7.4%; 240 homozygotes.

Submissions (3):

Labcorp Genetics (formerly Invitae), Labcorp
Classification: Benign. Last evaluated: 2019-12-31. Review status: criteria provided, single submitter. Criteria: Invitae Variant Classification Sherloc (09022015). Collection method: clinical testing. Allele origin: germline.

Breakthrough Genomics
Classification: Benign. Review status: criteria provided, single submitter. Criteria: ACMG Guidelines, 2015. Collection method: not provided. Allele origin: germline. Inheritance: Unknown mechanism. Affected: yes.

PreventionGenetics, part of Exact Sciences
Classification: Benign for PTPRT-related condition. Last evaluated: 2020-02-19. Review status: no assertion criteria provided. Collection method: clinical testing. Allele origin: germline. Not counted in ClinVar's aggregate classification.
Comment: This variant is classified as benign based on ACMG/AMP sequence variant interpretation guidelines (Richards et al. 2015 PMID: 25741868, with internal and published modifications).

NM_007050.6(PTPRT):c.1713A>G (p.Ala571=)

Gene: PTPRT (protein tyrosine phosphatase receptor type T; minus strand). Cytogenetic location: 20q12.
Variant type: single nucleotide variant.
Coding change: c.1713A>G on transcript NM_007050.6 (MANE Select); coding-DNA position 1713, A replaced by G.
Protein change: p.Ala571=; no amino-acid change (alanine 571 retained).
Molecular consequence: synonymous variant.
Genome position (GRCh38, 1-based): chr20:42,352,133, T>C on the plus strand (A>G on the coding strand, the complement: PTPRT is on the minus strand). VCF-style: chr20-42352133-T-C. GRCh37 (hg19) VCF-style: chr20-40980773-T-C.
Other names: c.1713A>G, p.Ala571= (NM_133170.4).
Identifiers: ClinVar variation 781565 (VCV000781565.7), dbSNP rs35858700, ClinGen allele CA9864479.